The following is an entry in ClinVar:

ClinVar aggregate classification (germline): Pathogenic (1 of 4 stars; one submission).

Conditions:
Generalized epilepsy with febrile seizures plus, type 7 (GEFSP7). Also called: GEFS+, TYPE 7. Identifiers: Orphanet 36387, MedGen C2751778, MONDO:0013470, OMIM 613863.
Neuropathy, hereditary sensory and autonomic, type 2A (HSAN2A). Also called: MORVAN DISEASE; NEUROPATHY, CONGENITAL SENSORY; NEUROPATHY, HEREDITARY SENSORY RADICULAR, AUTOSOMAL RECESSIVE; NEUROPATHY, HEREDITARY SENSORY, TYPE IIA; NEUROPATHY, PROGRESSIVE SENSORY, OF CHILDREN; WNK1-Related HSAN2 (HSAN2A). Identifiers: Orphanet 970, MedGen C2752089, MONDO:0024309, OMIM 201300.

Submission:

Labcorp Genetics (formerly Invitae), Labcorp
Classification: Pathogenic for Neuropathy, hereditary sensory and autonomic, type 2A; Generalized epilepsy with febrile seizures plus, type 7. Last evaluated: 2019-11-26. Review status: criteria provided, single submitter. Criteria: Invitae Variant Classification Sherloc (09022015). Collection method: clinical testing. Allele origin: germline.
Comment: This variant is not present in population databases (ExAC no frequency). This sequence change creates a premature translational stop signal (p.Ile122Phefs*2) in the SCN9A gene. It is expected to result in an absent or disrupted protein product. This variant has not been reported in the literature in individuals with SCN9A-related conditions. For these reasons, this variant has been classified as Pathogenic. Loss-of-function variants in SCN9A are known to be pathogenic (PMID: 17470132, 19304393).

Literature cited by the submitters: PubMed 17470132; PubMed 19304393.

NM_001365536.1(SCN9A):c.363del (p.Ile122fs)

Gene: SCN9A (sodium voltage-gated channel alpha subunit 9; minus strand). Cytogenetic location: 2q24.3.
Variant type: Deletion.
Coding change: c.363del on transcript NM_001365536.1 (MANE Select); coding-DNA position 363, one base deleted (G; older notation c.363delG).
Protein change: p.Ile122fs; shifts the reading frame from isoleucine 122.
Molecular consequence: frameshift variant.
Genome position (GRCh38, 1-based): chr2:166,306,970, C deleted on the plus strand (G on the coding strand, the reverse complement: SCN9A is on the minus strand). VCF-style (leftmost placement, unchanged base first): chr2-166306969-TC-T. GRCh37 (hg19) VCF-style: chr2-167163479-TC-T.
Other names: c.363delG, p.Ile122Phefs (NM_002977.4); short protein forms I122fs.
Identifiers: ClinVar variation 852438 (VCV000852438.8), dbSNP rs1698779595, ClinGen allele CA916081316.